The following is an entry in ClinVar:

NM_004364.5(CEBPA):c.458C>G (p.Pro153Arg)

Gene: CEBPA (CCAAT enhancer binding protein alpha; minus strand). Cytogenetic location: 19q13.11.
Variant type: single nucleotide variant.
Coding change: c.458C>G on transcript NM_004364.5 (MANE Select); coding-DNA position 458, C replaced by G.
Protein change: p.Pro153Arg; replaces proline 153 with arginine.
Molecular consequence: missense variant.
Genome position (GRCh38, 1-based): chr19:33,301,957, G>C on the plus strand (C>G on the coding strand, the complement: CEBPA is on the minus strand). VCF-style: chr19-33301957-G-C. GRCh37 (hg19) VCF-style: chr19-33792863-G-C.
Other names: c.416C>G, p.Pro139Arg (NM_001287435.2); c.101C>G, p.Pro34Arg (NM_001285829.2); c.563C>G, p.Pro188Arg (NM_001287424.2); c.458C>G (NM_004364.3); short protein forms P139R, P153R, P188R, P34R.
Identifiers: ClinVar variation 999471 (VCV000999471.11), dbSNP rs1967183728, ClinGen allele CA405274910.

ClinVar aggregate classification (germline): Uncertain significance. Review status: criteria provided, multiple submitters, no conflicts (2 of 4 stars). 3 submissions from 3 submitters: Uncertain significance (3). Last evaluated 2025-03-22.

Conditions:
Inborn genetic diseases. Identifiers: MedGen C0950123, MeSH D030342.
Acute myeloid leukemia (AML). Also called: Acute myeloid leukemia, adult; AML adult; Acute non-lymphocytic leukemia; Acute granulocytic leukemia; Leukemia, acute myelogenous, somatic; Leukemia, acute myeloid, somatic. Identifiers: Orphanet 519, MedGen C0023467, MeSH D015470, MONDO:0018874, OMIM 601626, HP:0004808. Disease mechanism: Constitutively activated FLT3.

Submissions (3):

Ambry Genetics
Classification: Uncertain significance for Inborn genetic diseases. Last evaluated: 2025-03-22. Review status: criteria provided, single submitter. Criteria: Ambry Variant Classification Scheme 2023. Collection method: clinical testing. Allele origin: germline.
Comment: The p.P153R variant (also known as c.458C>G), located in coding exon 1 of the CEBPA gene, results from a C to G substitution at nucleotide position 458. The proline at codon 153 is replaced by arginine, an amino acid with dissimilar properties. This amino acid position is conserved. In addition, this alteration is predicted to be tolerated by in silico analysis. Based on the available evidence, the clinical significance of this variant remains unclear.

Labcorp Genetics (formerly Invitae), Labcorp
Classification: Uncertain significance for Acute myeloid leukemia. Last evaluated: 2023-10-16. Review status: criteria provided, single submitter. Criteria: Invitae Variant Classification Sherloc (09022015). Collection method: clinical testing. Allele origin: germline.
Comment: This sequence change replaces proline, which is neutral and non-polar, with arginine, which is basic and polar, at codon 153 of the CEBPA protein (p.Pro153Arg). The frequency data for this variant in the population databases is considered unreliable, as metrics indicate insufficient coverage at this position in the gnomAD database. This variant has not been reported in the literature in individuals affected with CEBPA-related conditions. ClinVar contains an entry for this variant (Variation ID: 999471). Advanced modeling of protein sequence and biophysical properties (such as structural, functional, and spatial information, amino acid conservation, physicochemical variation, residue mobility, and thermodynamic stability) performed at Invitae indicates that this missense variant is not expected to disrupt CEBPA protein function. In summary, the available evidence is currently insufficient to determine the role of this variant in disease. Therefore, it has been classified as a Variant of Uncertain Significance.

Fulgent Genetics
Classification: Uncertain significance for Acute myeloid leukemia. Last evaluated: 2022-03-04. Review status: criteria provided, single submitter. Criteria: ACMG Guidelines, 2015. Collection method: clinical testing. Allele origin: unknown.